The following is an entry in ClinVar:

NM_002240.5(KCNJ6):c.1021A>T (p.Thr341Ser)

Genes: KCNJ6 (potassium inwardly rectifying channel subfamily J member 6; minus strand), KCNJ6-AS1 (KCNJ6 antisense RNA 1; plus strand). Cytogenetic location: 21q22.13.
Variant type: single nucleotide variant.
Coding change: c.1021A>T on transcript NM_002240.5 (MANE Select); coding-DNA position 1021, A replaced by T.
Protein change: p.Thr341Ser; replaces threonine 341 with serine.
Molecular consequence: missense variant.
Genome position (GRCh38, 1-based): chr21:37,625,410, T>A on the plus strand (A>T on the coding strand, the complement: KCNJ6 is on the minus strand). VCF-style: chr21-37625410-T-A. GRCh37 (hg19) VCF-style: chr21-38997712-T-A.
Other names: short protein forms T341S.
Identifiers: ClinVar variation 2729266 (VCV002729266.3), dbSNP rs2518150303, ClinGen allele CA409967417.

ClinVar aggregate classification (germline): Uncertain significance (1 of 4 stars; one submission).

Submission:

Labcorp Genetics (formerly Invitae), Labcorp
Classification: Uncertain significance. Last evaluated: 2023-06-25. Review status: criteria provided, single submitter. Criteria: Invitae Variant Classification Sherloc (09022015). Collection method: clinical testing. Allele origin: germline.
Comment: In summary, the available evidence is currently insufficient to determine the role of this variant in disease. Therefore, it has been classified as a Variant of Uncertain Significance. Advanced modeling of protein sequence and biophysical properties (such as structural, functional, and spatial information, amino acid conservation, physicochemical variation, residue mobility, and thermodynamic stability) performed at Invitae indicates that this missense variant is not expected to disrupt KCNJ6 protein function. This variant has not been reported in the literature in individuals affected with KCNJ6-related conditions. This variant is not present in population databases (gnomAD no frequency). This sequence change replaces threonine, which is neutral and polar, with serine, which is neutral and polar, at codon 341 of the KCNJ6 protein (p.Thr341Ser).